The following is an entry in ClinVar:

NM_000204.5(CFI):c.752G>T (p.Ser251Ile)

Gene: CFI (complement factor I; minus strand). Cytogenetic location: 4q25.
Variant type: single nucleotide variant.
Coding change: c.752G>T on transcript NM_000204.5 (MANE Select); coding-DNA position 752, G replaced by T.
Protein change: p.Ser251Ile; replaces serine 251 with isoleucine.
Molecular consequence: missense variant. On other transcripts: non-coding transcript variant (3).
Genome position (GRCh38, 1-based): chr4:109,760,543, C>A on the plus strand (G>T on the coding strand, the complement: CFI is on the minus strand). VCF-style: chr4-109760543-C-A. GRCh37 (hg19) VCF-style: chr4-110681699-C-A.
Other names: c.752G>T, p.Ser251Ile (NM_001318057.2, NM_001331035.2, NM_001375278.1 and 5 more transcripts); c.143G>T, p.Ser48Ile (NM_001375284.1); short protein forms S251I, S48I.
Identifiers: ClinVar variation 2711609 (VCV002711609.3), dbSNP rs2545435769, ClinGen allele CA357861748.

ClinVar aggregate classification (germline): Uncertain significance (1 of 4 stars; one submission).

Submission:

Labcorp Genetics (formerly Invitae), Labcorp
Classification: Uncertain significance. Last evaluated: 2024-01-26. Review status: criteria provided, single submitter. Criteria: Invitae Variant Classification Sherloc (09022015). Collection method: clinical testing. Allele origin: germline.
Comment: This sequence change replaces serine, which is neutral and polar, with isoleucine, which is neutral and non-polar, at codon 251 of the CFI protein (p.Ser251Ile). This variant is not present in population databases (gnomAD no frequency). This variant has not been reported in the literature in individuals affected with CFI-related conditions. Advanced modeling of protein sequence and biophysical properties (such as structural, functional, and spatial information, amino acid conservation, physicochemical variation, residue mobility, and thermodynamic stability) performed at Invitae indicates that this missense variant is expected to disrupt CFI protein function with a positive predictive value of 80%. In summary, the available evidence is currently insufficient to determine the role of this variant in disease. Therefore, it has been classified as a Variant of Uncertain Significance.